The following is an entry in ClinVar:

ClinVar aggregate classification (germline): Uncertain significance (1 of 4 stars; one submission).

Conditions:
Oligodontia-cancer predisposition syndrome. Also called: TOOTH AGENESIS-COLORECTAL CANCER SYNDROME. Identifiers: Orphanet 300576, MedGen C1837750, MONDO:0012075, OMIM 608615. Disease mechanism: loss of function.

Submission:

Labcorp Genetics (formerly Invitae), Labcorp
Classification: Uncertain significance for Oligodontia-cancer predisposition syndrome. Last evaluated: 2022-02-09. Review status: criteria provided, single submitter. Criteria: Invitae Variant Classification Sherloc (09022015). Collection method: clinical testing. Allele origin: germline.
Comment: In summary, the available evidence is currently insufficient to determine the role of this variant in disease. Therefore, it has been classified as a Variant of Uncertain Significance. Algorithms developed to predict the effect of missense changes on protein structure and function are either unavailable or do not agree on the potential impact of this missense change (SIFT: "Deleterious"; PolyPhen-2: "Probably Damaging"; Align-GVGD: "Class C0"). This variant has not been reported in the literature in individuals affected with AXIN2-related conditions. This variant is not present in population databases (gnomAD no frequency). This sequence change replaces serine, which is neutral and polar, with asparagine, which is neutral and polar, at codon 300 of the AXIN2 protein (p.Ser300Asn).

NM_004655.4(AXIN2):c.899G>A (p.Ser300Asn)

Gene: AXIN2 (axin 2; minus strand). Cytogenetic location: 17q24.1.
Variant type: single nucleotide variant.
Coding change: c.899G>A on transcript NM_004655.4 (MANE Select); coding-DNA position 899, G replaced by A.
Protein change: p.Ser300Asn; replaces serine 300 with asparagine.
Molecular consequence: missense variant.
Genome position (GRCh38, 1-based): chr17:65,549,577, C>T on the plus strand (G>A on the coding strand, the complement: AXIN2 is on the minus strand). VCF-style: chr17-65549577-C-T. GRCh37 (hg19) VCF-style: chr17-63545695-C-T.
Other names: c.899G>A, p.Ser300Asn (NM_001363813.1); short protein forms S300N.
Identifiers: ClinVar variation 2095847 (VCV002095847.4), dbSNP rs1333766927, ClinGen allele CA400679541.